The following is an entry in ClinVar:

ClinVar aggregate classification (germline): Uncertain significance (1 of 4 stars; one submission).

Conditions:
Severe combined immunodeficiency due to DNA-PKcs deficiency. Also called: IMMUNODEFICIENCY 26 WITH NEUROLOGIC ABNORMALITIES; Immunodeficiency 26 with or without neurologic abnormalities. Identifiers: Orphanet 317425, MedGen C4014833, MONDO:0014423, OMIM 615966.

Submission:

Labcorp Genetics (formerly Invitae), Labcorp
Classification: Uncertain significance for Severe combined immunodeficiency due to DNA-PKcs deficiency. Last evaluated: 2018-10-10. Review status: criteria provided, single submitter. Criteria: Invitae Variant Classification Sherloc (09022015). Collection method: clinical testing. Allele origin: germline.
Comment: In summary, the available evidence is currently insufficient to determine the role of this variant in disease. Therefore, it has been classified as a Variant of Uncertain Significance. This sequence change replaces cysteine with tyrosine at codon 1904 of the PRKDC protein (p.Cys1904Tyr). The histidine residue is weakly conserved and there is a large physicochemical difference between cysteine and tyrosine. This variant is not present in population databases (ExAC no frequency). This variant has not been reported in the literature in individuals with PRKDC-related disease. Algorithms developed to predict the effect of missense changes on protein structure and function (SIFT, PolyPhen-2, Align-GVGD) all suggest that this variant is likely to be tolerated, but these predictions have not been confirmed by published functional studies and their clinical significance is uncertain.

NM_006904.7(PRKDC):c.5711G>A (p.Cys1904Tyr)

Gene: PRKDC (protein kinase, DNA-activated, catalytic subunit; minus strand). Cytogenetic location: 8q11.21.
Variant type: single nucleotide variant.
Coding change: c.5711G>A on transcript NM_006904.7 (MANE Select); coding-DNA position 5711, G replaced by A.
Protein change: p.Cys1904Tyr; replaces cysteine 1904 with tyrosine.
Molecular consequence: missense variant.
Genome position (GRCh38, 1-based): chr8:47,863,438, C>T on the plus strand (G>A on the coding strand, the complement: PRKDC is on the minus strand). VCF-style: chr8-47863438-C-T. GRCh37 (hg19) VCF-style: chr8-48775999-C-T.
Other names: c.5711G>A, p.Cys1904Tyr (NM_001081640.2); short protein forms C1904Y.
Identifiers: ClinVar variation 650955 (VCV000650955.7), dbSNP rs1589750943, ClinGen allele CA371162888.
Genomic context (GRCh38, chr8:47,863,438, plus strand): 5'-CAAAATTAAGTAAAATCTTACTTAATCAATGTCTTTGTAAGTTCATTTCCTTCTGTAATA[C>T]ACGAGCCATGGAAAACTTGATTAATTTTTGATTCCTTAGCATGAACATCATCTTTGGGAA-3'
Protein context (NP_008835.5, residues 1894-1914): SKINQVFHGS[Cys1904Tyr]ITEGNELTKT